The following is an entry in ClinVar:

NM_001005242.3(PKP2):c.1460T>G (p.Ile487Ser)

Gene: PKP2 (plakophilin 2; minus strand). Cytogenetic location: 12p11.21.
Variant type: single nucleotide variant.
Coding change: c.1460T>G on transcript NM_001005242.3 (MANE Select); coding-DNA position 1460, T replaced by G.
Protein change: p.Ile487Ser; replaces isoleucine 487 with serine.
Molecular consequence: missense variant.
Genome position (GRCh38, 1-based): chr12:32,841,124, A>C on the plus strand (T>G on the coding strand, the complement: PKP2 is on the minus strand). VCF-style: chr12-32841124-A-C. GRCh37 (hg19) VCF-style: chr12-32994058-A-C.
Other names: p.I531S:ATC>AGC; c.1592T>G, p.Ile531Ser (NM_004572.4); short protein forms I531S, I487S.
Identifiers: ClinVar variation 45035 (VCV000045035.70), dbSNP rs147240502, ClinGen allele CA011226.

ClinVar aggregate classification (germline): Benign/Likely benign. Review status: criteria provided, multiple submitters, no conflicts (2 of 4 stars). 16 submissions from 16 submitters: Benign (10); Likely benign (6). Last evaluated 2026-08-01.

Conditions:
Family history of cardiomyopathy. Identifiers: MedGen C1272241.
Cardiovascular phenotype. Identifiers: MedGen CN230736.
Cardiomyopathy (CMYO). Also called: Cardiomyopathies. Identifiers: Orphanet 167848, MedGen C0878544, MONDO:0004994, HP:0001638. Inheritance: Various modes of inheritance.
Arrhythmogenic right ventricular cardiomyopathy (ARVD). Also called: Arrhythmogenic Right Ventricular Cardiomyopathy (ARVC); Cardiomyopathy, ARVC; Arrhythmogenic right ventricular dysplasia; Arrhythmogenic cardiomyopathy. Identifiers: Orphanet 247, MedGen C0349788, MeSH D019571, MONDO:0016587. Disease mechanism: loss of function. Inheritance: Various modes of inheritance.
Arrhythmogenic right ventricular dysplasia 9 (ARVD9). Also called: Arrhythmogenic Right Ventricular Dysplasia/Cardiomyopathy 9; ARRHYTHMOGENIC RIGHT VENTRICULAR DYSPLASIA, FAMILIAL, 9. Identifiers: MedGen C1836906, MONDO:0012180, OMIM 609040.

Allele frequency attached by ClinVar (database versions not stated): 1000 Genomes Project 30x 0.00125; ESP Exome Variant Server 0.00323; gnomAD 0.00400 and 0.00417; ExAC 0.00472; TOPMed 0.00233; 1000 Genomes Project 0.00140; gnomAD exomes 0.00417 and 0.00480.
gnomAD v4.1: 6,604 of 1,612,890 alleles (0.41%); highest among the groups gnomAD compares: Non-Finnish European, 0.41%; 33 homozygotes.

Submissions (16):

CeGaT Center for Human Genetics Tuebingen
Classification: Likely benign. Last evaluated: 2026-08-01. Review status: criteria provided, single submitter. Criteria: CeGaT Center For Human Genetics Tuebingen Variant Classification Criteria Version 2. Collection method: clinical testing. Allele origin: germline. Affected: yes. Observed: 16 variant alleles.
Comment: PKP2: BP4, BS1

Molecular Diagnostic Laboratory for Inherited Cardiovascular Disease, Montreal Heart Institute
Classification: Benign. Last evaluated: 2026-03-27. Review status: criteria provided, single submitter. Criteria: ACMG Guidelines, 2015. Collection method: clinical testing. Allele origin: germline. Affected: no.

Labcorp Genetics (formerly Invitae), Labcorp
Classification: Benign for Arrhythmogenic right ventricular dysplasia 9. Last evaluated: 2026-02-02. Review status: criteria provided, single submitter. Criteria: Invitae Variant Classification Sherloc (09022015). Collection method: clinical testing. Allele origin: germline.

Mayo Clinic Laboratories, Mayo Clinic
Classification: Benign. Last evaluated: 2025-03-12. Review status: criteria provided, single submitter. Criteria: ACMG Guidelines, 2015. Collection method: clinical testing. Allele origin: germline. Observed: 7 variant alleles.
Comment: BS1, BS2

Blueprint Genetics
Classification: Likely benign. Last evaluated: 2024-11-07. Review status: criteria provided, single submitter. Criteria: ACMG Guidelines, 2015. Collection method: clinical testing. Allele origin: germline.

ARUP Laboratories, Molecular Genetics and Genomics, ARUP Laboratories
Classification: Benign for Arrhythmogenic right ventricular dysplasia 9. Last evaluated: 2023-10-26. Review status: criteria provided, single submitter. Criteria: ARUP Molecular Germline Variant Investigation Process 2024. Collection method: clinical testing. Allele origin: germline.

Center for Advanced Laboratory Medicine, UC San Diego Health, University of California San Diego
Classification: Benign for Family history of cardiomyopathy. Last evaluated: 2018-04-18. Review status: criteria provided, single submitter. Criteria: ACMG Guidelines, 2015. Collection method: clinical testing. Allele origin: germline. Affected: yes. Observed: 1 variant allele.

Color Diagnostics, LLC DBA Color Health
Classification: Benign for Cardiomyopathy. Last evaluated: 2018-03-13. Review status: criteria provided, single submitter. Criteria: ACMG Guidelines, 2015. Collection method: clinical testing. Allele origin: germline.

Illumina Laboratory Services, Illumina
Classification: Likely benign for Arrhythmogenic right ventricular dysplasia 9. Last evaluated: 2018-02-01. Review status: criteria provided, single submitter. Criteria: ICSL Variant Classification Criteria 13 December 2019. Collection method: clinical testing. Allele origin: germline.
Comment: This variant was observed as part of a predisposition screen in an ostensibly healthy population. A literature search was performed for the gene, cDNA change, and amino acid change (where applicable). No publications were found based on this search. Allele frequency data from public databases allowed determination this variant is unlikely to cause disease. Therefore, this variant is classified as likely benign.

Center for Pediatric Genomic Medicine, Children's Mercy Hospital and Clinics
Classification: Likely benign. Last evaluated: 2016-09-16. Review status: criteria provided, single submitter. Criteria: ACMG Guidelines, 2015. Collection method: clinical testing. Allele origin: germline.
ClinVar note: Converted during submission from Likely Benign to Likely benign.

Women's Health and Genetics/Laboratory Corporation of America, LabCorp
Classification: Benign. Last evaluated: 2016-09-12. Review status: criteria provided, single submitter. Criteria: LabCorp Variant Classification Summary - May 2015. Collection method: clinical testing. Allele origin: germline.
Comment: Variant summary: The PKP2 c.1592T>G (p.Ile531Ser) variant causes a missense change with 3/3 in silico tools (SNPs&GO and Mutation Taster not captured due to low reliability index and p-value, respectively) predict a damaging outcome for this variant. This variant was found in 867/136406 control chromosomes (2 homozygotes) at a frequency of 0.006356, which is approximately 15 times the estimated maximal expected allele frequency of a pathogenic PKP2 variant (0.0004301), suggesting this variant is likely a benign polymorphism. In addition, multiple publications report the variant to co-occur with other potentially pathogenic variants. In the few small pedigrees published, the variant did not segregate within families, leading authors to conclude that this variant could be modulating the effect of another variant or this variant could have low penetrance. Furthermore, functional studies support the variant to have comparable to wild-type function. In addition, multiple reputable clinical diagnostic laboratories cite the variant as "likely benign/benign." Therefore, taking all available lines of evidence into consideration, the variant of interest has been classified as Benign.

CHEO Genetics Diagnostic Laboratory, Children's Hospital of Eastern Ontario
Classification: Likely benign for Cardiomyopathy. Last evaluated: 2016-01-07. Review status: criteria provided, single submitter. Criteria: ACMG Guidelines, 2015. Collection method: clinical testing. Allele origin: germline. Study: Canadian Open Genetics Repository.

Ambry Genetics
Classification: Benign for Cardiovascular phenotype. Last evaluated: 2015-08-14. Review status: criteria provided, single submitter. Criteria: Ambry Variant Classification Scheme 2023. Collection method: clinical testing. Allele origin: germline.

Laboratory for Molecular Medicine, Mass General Brigham Personalized Medicine
Classification: Benign. Last evaluated: 2015-04-08. Review status: criteria provided, single submitter. Criteria: LMM Criteria. Collection method: clinical testing. Allele origin: germline. Observed: 9 variant alleles.
Comment: p.Ile531Ser in exon 7 of PKP2: This variant is not expected to have clinical sig nificance because it has been identified in 2.6% (170/6614) of Finnish chromosom es by the Exome Aggregation Consortium (ExAC; db SNP rs147240502).

Biesecker Lab/Clinical Genomics Section, National Institutes of Health
Classification: Likely benign for Arrhythmogenic right ventricular cardiomyopathy. Last evaluated: 2013-06-24. Review status: criteria provided, single submitter. Criteria: Ng et al. (Circ Cardiovasc Genet. 2013). Collection method: research. Allele origin: unknown. Observed: 3 variant alleles. Study: ClinSeq.
Comment: The study set was not selected for affection status in relation to any cancer. HGMD phenotype assertion is uncertain. Pathogenicity categories were based on literature curation. See Pubmed ID:23861362 for details.

Medical sequencing

GeneDx
Classification: Benign. Last evaluated: 2013-01-25. Review status: criteria provided, single submitter. Criteria: GeneDx Variant Classification (06012015). Collection method: clinical testing. Allele origin: germline. Affected: yes.
Comment: This variant is considered likely benign or benign based on one or more of the following criteria: it is a conservative change, it occurs at a poorly conserved position in the protein, it is predicted to be benign by multiple in silico algorithms, and/or has population frequency not consistent with disease.

Literature cited by the submitters: PubMed 20152563 (cited by Mayo Clinic Laboratories, Mayo Clinic and Women's Health and Genetics/Laboratory Corporation of America, LabCorp); PubMed 29367541 (cited by Mayo Clinic Laboratories, Mayo Clinic); PubMed 19955750 (cited by Women's Health and Genetics/Laboratory Corporation of America, LabCorp and Laboratory for Molecular Medicine, Mass General Brigham Personalized Medicine); PubMed 25332820 (cited by Women's Health and Genetics/Laboratory Corporation of America, LabCorp); PubMed 22036071 (cited by Women's Health and Genetics/Laboratory Corporation of America, LabCorp); PubMed 24558114 (cited by Women's Health and Genetics/Laboratory Corporation of America, LabCorp); PubMed 21397041 (cited by Women's Health and Genetics/Laboratory Corporation of America, LabCorp); PubMed 22781308 (cited by Women's Health and Genetics/Laboratory Corporation of America, LabCorp); PubMed 20031616 (cited by Women's Health and Genetics/Laboratory Corporation of America, LabCorp and Laboratory for Molecular Medicine, Mass General Brigham Personalized Medicine); PubMed 21606390 (cited by Women's Health and Genetics/Laboratory Corporation of America, LabCorp); PubMed 22019812 (cited by Women's Health and Genetics/Laboratory Corporation of America, LabCorp); PubMed 25445213 (cited by Women's Health and Genetics/Laboratory Corporation of America, LabCorp); PubMed 26406308 (cited by Women's Health and Genetics/Laboratory Corporation of America, LabCorp); PubMed 17521752 (cited by Women's Health and Genetics/Laboratory Corporation of America, LabCorp and Laboratory for Molecular Medicine, Mass General Brigham Personalized Medicine); PubMed 20031617 (cited by Laboratory for Molecular Medicine, Mass General Brigham Personalized Medicine).